The following is an entry in ClinVar:

ClinVar aggregate classification (germline): Uncertain significance. Review status: criteria provided, multiple submitters, no conflicts (2 of 4 stars). 3 submissions from 3 submitters: Uncertain significance (3). Last evaluated 2024-03-22.

Conditions:
Inborn genetic diseases. Identifiers: MedGen C0950123, MeSH D030342.
Karyomegalic interstitial nephritis. Identifiers: Orphanet 401996, MedGen C3553774, MONDO:0013898, OMIM 614817.

Allele frequency attached by ClinVar (database versions not stated): gnomAD exomes 0.00008; ExAC 0.00012; ESP Exome Variant Server 0.00015; 1000 Genomes Project 30x 0.00016; 1000 Genomes Project 0.00020; gnomAD 0.00023; TOPMed 0.00025.
gnomAD v4.1: 155 of 1,614,094 alleles (0.0096%); highest among the groups gnomAD compares: African/African-American, 0.079%; no homozygotes.

Submissions (3):

Ambry Genetics
Classification: Uncertain significance for Inborn genetic diseases. Last evaluated: 2024-03-22. Review status: criteria provided, single submitter. Criteria: Ambry Variant Classification Scheme 2023. Collection method: clinical testing. Allele origin: germline.

Fulgent Genetics
Classification: Uncertain significance for Karyomegalic interstitial nephritis. Last evaluated: 2024-02-28. Review status: criteria provided, single submitter. Criteria: ACMG Guidelines, 2015. Collection method: clinical testing. Allele origin: germline.

Labcorp Genetics (formerly Invitae), Labcorp
Classification: Uncertain significance. Last evaluated: 2022-07-11. Review status: criteria provided, single submitter. Criteria: Invitae Variant Classification Sherloc (09022015). Collection method: clinical testing. Allele origin: germline.
Comment: In summary, the available evidence is currently insufficient to determine the role of this variant in disease. Therefore, it has been classified as a Variant of Uncertain Significance. Algorithms developed to predict the effect of missense changes on protein structure and function are either unavailable or do not agree on the potential impact of this missense change (SIFT: "Deleterious"; PolyPhen-2: "Probably Damaging"; Align-GVGD: "Class C0"). This variant has not been reported in the literature in individuals affected with FAN1-related conditions. This variant is present in population databases (rs377418523, gnomAD 0.08%), including at least one homozygous and/or hemizygous individual. This sequence change replaces arginine, which is basic and polar, with tryptophan, which is neutral and slightly polar, at codon 591 of the FAN1 protein (p.Arg591Trp).

NM_014967.5(FAN1):c.1771C>T (p.Arg591Trp)

Gene: FAN1 (FANCD2 and FANCI associated nuclease 1; plus strand). Cytogenetic location: 15q13.3.
Variant type: single nucleotide variant.
Coding change: c.1771C>T on transcript NM_014967.5 (MANE Select); coding-DNA position 1771, C replaced by T.
Protein change: p.Arg591Trp; replaces arginine 591 with tryptophan.
Molecular consequence: missense variant.
Genome position (GRCh38, 1-based): chr15:30,914,051, C>T. VCF-style: chr15-30914051-C-T. GRCh37 (hg19) VCF-style: chr15-31206254-C-T.
Other names: c.1771C>T (NM_014967.4); short protein forms R591W.
Identifiers: ClinVar variation 2052197 (VCV002052197.4), dbSNP rs377418523, ClinGen allele CA7450393.